The following is an entry in ClinVar:

ClinVar aggregate classification (germline): Likely benign. Review status: criteria provided, multiple submitters, no conflicts (2 of 4 stars). 3 submissions from 3 submitters: Likely benign (3). Last evaluated 2025-12-19.

Conditions:
Catecholaminergic polymorphic ventricular tachycardia (CVPT). Also called: Catecholamine-induced polymorphic ventricular tachycardia. Identifiers: Orphanet 3286, MedGen C5574922, MONDO:0017990.
Catecholaminergic polymorphic ventricular tachycardia 1. Also called: VENTRICULAR TACHYCARDIA, STRESS-INDUCED POLYMORPHIC 1; VENTRICULAR TACHYCARDIA, CATECHOLAMINERGIC POLYMORPHIC, 1, WITH OR WITHOUT ATRIAL DYSFUNCTION AND/OR DILATED CARDIOMYOPATHY; RYR2-Related Catecholaminergic Polymorphic Ventricular Tachycardia. Identifiers: Orphanet 3286, MedGen C1631597, MONDO:0011484, OMIM 604772.
Cardiomyopathy (CMYO). Also called: Cardiomyopathies. Identifiers: Orphanet 167848, MedGen C0878544, MONDO:0004994, HP:0001638. Inheritance: Various modes of inheritance.

Submissions (3):

Labcorp Genetics (formerly Invitae), Labcorp
Classification: Likely benign for Catecholaminergic polymorphic ventricular tachycardia 1. Last evaluated: 2025-12-19. Review status: criteria provided, single submitter. Criteria: Invitae Variant Classification Sherloc (09022015). Collection method: clinical testing. Allele origin: germline.

All of Us Research Program, National Institutes of Health
Classification: Likely benign for Catecholaminergic polymorphic ventricular tachycardia. Last evaluated: 2023-04-24. Review status: criteria provided, single submitter. Criteria: ACMG Guidelines, 2015. Collection method: clinical testing. Allele origin: germline. Inheritance: Autosomal dominant inheritance. Observed: 1 variant allele, 1 heterozygote.
Comment: This study involves interpretation of variants in research participants for the purpose of population health screening. Participant phenotype was not available at the time of variant classification. Additional details can be found in publication PMID: 35346344, PMCID: PMC8962531

Color Diagnostics, LLC DBA Color Health
Classification: Likely benign for Cardiomyopathy. Last evaluated: 2022-10-24. Review status: criteria provided, single submitter. Criteria: ACMG Guidelines, 2015. Collection method: clinical testing. Allele origin: germline.

NM_001035.3(RYR2):c.11193C>G (p.Leu3731=)

Gene: RYR2 (ryanodine receptor 2; plus strand). Cytogenetic location: 1q43.
Variant type: single nucleotide variant.
Coding change: c.11193C>G on transcript NM_001035.3 (MANE Select); coding-DNA position 11193, C replaced by G.
Protein change: p.Leu3731=; no amino-acid change (leucine 3731 retained).
Molecular consequence: synonymous variant.
Genome position (GRCh38, 1-based): chr1:237,756,335, C>G. VCF-style: chr1-237756335-C-G. GRCh37 (hg19) VCF-style: chr1-237919635-C-G.
Identifiers: ClinVar variation 2774384 (VCV002774384.4), dbSNP rs766861176, ClinGen allele CA423821765.